The following is an entry in ClinVar:

ClinVar aggregate classification (germline): Uncertain significance (1 of 4 stars; one submission).

Conditions:
Inborn genetic diseases. Identifiers: MedGen C0950123, MeSH D030342.

Submission:

Ambry Genetics
Classification: Uncertain significance for Inborn genetic diseases. Last evaluated: 2025-12-23. Review status: criteria provided, single submitter. Criteria: Ambry Variant Classification Scheme 2023. Collection method: clinical testing. Allele origin: germline.
Comment: The p.P162L variant (also known as c.485C>T), located in coding exon 5 of the ETV6 gene, results from a C to T substitution at nucleotide position 485. The proline at codon 162 is replaced by leucine, an amino acid with similar properties. This amino acid position is conserved. In addition, this alteration is predicted to be tolerated by in silico analysis. Based on the available evidence, the clinical significance of this variant remains unclear.

NM_001987.5(ETV6):c.485C>T (p.Pro162Leu)

Gene: ETV6 (ETS variant transcription factor 6; plus strand). Cytogenetic location: 12p13.2.
Variant type: single nucleotide variant.
Coding change: c.485C>T on transcript NM_001987.5 (MANE Select); coding-DNA position 485, C replaced by T.
Protein change: p.Pro162Leu; replaces proline 162 with leucine.
Molecular consequence: missense variant.
Genome position (GRCh38, 1-based): chr12:11,869,445, C>T. VCF-style: chr12-11869445-C-T. GRCh37 (hg19) VCF-style: chr12-12022379-C-T.
Other names: c.482C>T, p.Pro161Leu (NM_001413913.1); c.458C>T, p.Pro153Leu (NM_001413914.1); c.221C>T, p.Pro74Leu (NM_001413915.1); c.485C>T, p.Pro162Leu (NM_001413916.1, NM_001413917.1); short protein forms P153L, P162L, P74L, P161L.
Identifiers: ClinVar variation 4842520 (VCV004842520.1).
Genomic context (GRCh38, chr12:11,869,445, plus strand): 5'-TCACTGGGGTCTGTGATTGTCTTTCCCTCTGCTCCACAGATAACTGTGTCCAGAGGACCC[C>T]CAGGCCATCCGTGGATAATGTGCACCATAACCCTCCCACCATTGAACTGTTGCACCGCTC-3'
Protein context (NP_001978.1, residues 152-172): HEEDNCVQRT[Pro162Leu]RPSVDNVHHN